The following is an entry in ClinVar:

ClinVar aggregate classification (germline): Benign (1 of 4 stars; one submission).

Allele frequency attached by ClinVar (database versions not stated): 1000 Genomes Project 0.20747; 1000 Genomes Project 30x 0.21049; gnomAD 0.22876 and 0.23250; TOPMed 0.23686.
gnomAD v4.1: 34,875 of 152,096 alleles (23%); highest among the groups gnomAD compares: Middle Eastern, 34%; 4,138 homozygotes.

Submission:

GeneDx
Classification: Benign. Last evaluated: 2018-06-14. Review status: criteria provided, single submitter. Criteria: GeneDx Variant Classification (06012015). Collection method: clinical testing. Allele origin: germline. Affected: yes.
Comment: This variant is considered likely benign or benign based on one or more of the following criteria: it is a conservative change, it occurs at a poorly conserved position in the protein, it is predicted to be benign by multiple in silico algorithms, and/or has population frequency not consistent with disease.

NM_020822.3(KCNT1):c.1036-233C>T

Gene: KCNT1 (potassium sodium-activated channel subfamily T member 1; plus strand). Cytogenetic location: 9q34.3.
Variant type: single nucleotide variant.
Coding change: c.1036-233C>T on transcript NM_020822.3 (MANE Select); 233 bases into the intron before coding-DNA position 1036, C replaced by T.
Molecular consequence: intron variant.
Genome position (GRCh38, 1-based): chr9:135,764,798, C>T. VCF-style: chr9-135764798-C-T. GRCh37 (hg19) VCF-style: chr9-138656644-C-T.
Other names: c.901-233C>T (NM_001272003.2).
Identifiers: ClinVar variation 682095 (VCV000682095.1), dbSNP rs56382410, ClinGen allele CA13003879.